The following is an entry in ClinVar:

ClinVar aggregate classification (germline): Uncertain significance. Review status: criteria provided, multiple submitters, no conflicts (2 of 4 stars). 6 submissions from 6 submitters: Uncertain significance (6). Last evaluated 2025-08-17.

Conditions:
Hereditary cancer-predisposing syndrome. Also called: Tumor predisposition; Hereditary Cancer Syndrome; Hereditary neoplastic syndrome; Neoplastic Syndromes, Hereditary. Identifiers: Orphanet 140162, MedGen C0027672, MeSH D009386, MONDO:0015356.
Neurofibromatosis, type 2 (SWNV). Also called: BILATERAL ACOUSTIC NEUROFIBROMATOSIS; NF2-Related Schwannomatosis; SCHWANNOMATOSIS, VESTIBULAR. Identifiers: Orphanet 637, MedGen C0027832, MONDO:0007039, OMIM 101000. Disease mechanism: loss of function.

Allele frequency attached by ClinVar (database versions not stated): gnomAD 0.00001; TOPMed 0.00001.
gnomAD v4.1: 4 of 1,614,126 alleles (0.00025%); highest among the groups gnomAD compares: Non-Finnish European, 0.00034%; no homozygotes.

Submissions (6):

Labcorp Genetics (formerly Invitae), Labcorp
Classification: Uncertain significance for Neurofibromatosis, type 2. Last evaluated: 2025-08-17. Review status: criteria provided, single submitter. Criteria: Invitae Variant Classification Sherloc (09022015). Collection method: clinical testing. Allele origin: germline.
Comment: This sequence change replaces isoleucine, which is neutral and non-polar, with valine, which is neutral and non-polar, at codon 560 of the NF2 protein (p.Ile560Val). This variant is not present in population databases (gnomAD no frequency). This variant has not been reported in the literature in individuals affected with NF2-related conditions. ClinVar contains an entry for this variant (Variation ID: 574211). Invitae Evidence Modeling of protein sequence and biophysical properties (such as structural, functional, and spatial information, amino acid conservation, physicochemical variation, residue mobility, and thermodynamic stability) indicates that this missense variant is not expected to disrupt NF2 protein function with a negative predictive value of 80%. In summary, the available evidence is currently insufficient to determine the role of this variant in disease. Therefore, it has been classified as a Variant of Uncertain Significance.

Ambry Genetics
Classification: Uncertain significance for Hereditary cancer-predisposing syndrome. Last evaluated: 2025-07-07. Review status: criteria provided, single submitter. Criteria: Ambry Variant Classification Scheme 2023. Collection method: clinical testing. Allele origin: germline.
Comment: The p.I560V variant (also known as c.1678A>G), located in coding exon 15 of the NF2 gene, results from an A to G substitution at nucleotide position 1678. The isoleucine at codon 560 is replaced by valine, an amino acid with highly similar properties. This amino acid position is well conserved in available vertebrate species. In addition, this alteration is predicted to be tolerated by in silico analysis. Since supporting evidence is limited at this time, the clinical significance of this alteration remains unclear.

GeneDx
Classification: Uncertain significance. Last evaluated: 2025-04-18. Review status: criteria provided, single submitter. Criteria: GeneDx Variant Classification Process June 2021. Collection method: clinical testing. Allele origin: germline. Affected: yes.
Comment: Not observed at significant frequency in large population cohorts (gnomAD); In silico analysis indicates that this missense variant does not alter protein structure/function; Has not been previously published as pathogenic or benign to our knowledge; This variant is associated with the following publications: (PMID: 11756419)

All of Us Research Program, National Institutes of Health
Classification: Uncertain significance for Neurofibromatosis, type 2. Last evaluated: 2023-11-20. Review status: criteria provided, single submitter. Criteria: ACMG Guidelines, 2015. Collection method: clinical testing. Allele origin: germline. Inheritance: Autosomal dominant inheritance. Observed: 2 variant alleles, 2 heterozygotes.
Comment: This missense variant replaces isoleucine with valine at codon 560 of the NF2 protein. Computational prediction suggests that this variant may not impact protein structure and function (internally defined REVEL score threshold <= 0.5, PMID: 27666373). To our knowledge, functional studies have not been reported for this variant. This variant has not been reported in individuals affected with NF2-related disorders in the literature. This variant has not been identified in the general population by the Genome Aggregation Database (gnomAD). The available evidence is insufficient to determine the role of this variant in disease conclusively. Therefore, this variant is classified as a Variant of Uncertain Significance.

This study involves interpretation of variants in research participants for the purpose of population health screening. Participant phenotype was not available at the time of variant classification. Additional details can be found in publication PMID: 35346344, PMCID: PMC8962531

CeGaT Center for Human Genetics Tuebingen
Classification: Uncertain significance. Last evaluated: 2023-11-01. Review status: criteria provided, single submitter. Criteria: CeGaT Center For Human Genetics Tuebingen Variant Classification Criteria Version 2. Collection method: clinical testing. Allele origin: germline. Affected: yes. Observed: 1 variant allele.
Comment: NF2: PM2, BP4

Genome-Nilou Lab
Classification: Uncertain significance for Neurofibromatosis, type 2. Last evaluated: 2021-11-07. Review status: criteria provided, single submitter. Criteria: ACMG Guidelines, 2015. Collection method: clinical testing. Allele origin: germline. Affected: no.

NM_000268.4(NF2):c.1678A>G (p.Ile560Val)

Gene: NF2 (NF2, moesin-ezrin-radixin like (MERLIN) tumor suppressor; plus strand). Cytogenetic location: 22q12.2.
Variant type: single nucleotide variant.
Coding change: c.1678A>G on transcript NM_000268.4 (MANE Select); coding-DNA position 1678, A replaced by G.
Protein change: p.Ile560Val; replaces isoleucine 560 with valine.
Molecular consequence: missense variant. On other transcripts: non-coding transcript variant (1), intron variant (1).
Genome position (GRCh38, 1-based): chr22:29,681,542, A>G. VCF-style: chr22-29681542-A-G. GRCh37 (hg19) VCF-style: chr22-30077531-A-G.
Other names: c.1678A>G, p.Ile560Val (NM_016418.5, NM_181825.3, NM_181832.3); c.1552A>G, p.Ile518Val (NM_181828.3); c.1555A>G, p.Ile519Val (NM_181829.3); c.1429A>G, p.Ile477Val (NM_181830.3, NM_181831.3); c.448-13210A>G (NM_181833.3); short protein forms I560V, I519V, I518V, I477V.
Identifiers: ClinVar variation 574211 (VCV000574211.42), dbSNP rs557347747, ClinGen allele CA323120994.